The following is an entry in ClinVar:

ClinVar aggregate classification (germline): Likely benign (0 of 4 stars; one submission).

Conditions:
MLLT10-related disorder. Also called: MLLT10-related condition.

Allele frequency attached by ClinVar (database versions not stated): gnomAD exomes 0.00010; gnomAD 0.00017; ExAC 0.00035; 1000 Genomes Project 0.00140; 1000 Genomes Project 30x 0.00156.
gnomAD v4.1: 174 of 1,610,266 alleles (0.011%); highest among the groups gnomAD compares: East Asian, 0.27%; no homozygotes.

Submission:

PreventionGenetics, part of Exact Sciences
Classification: Likely benign for MLLT10-related condition. Last evaluated: 2019-07-30. Review status: no assertion criteria provided. Collection method: clinical testing. Allele origin: germline.
Comment: This variant is classified as likely benign based on ACMG/AMP sequence variant interpretation guidelines (Richards et al. 2015 PMID: 25741868, with internal and published modifications).

NM_001195626.3(MLLT10):c.1897T>A (p.Ser633Thr)

Gene: MLLT10 (MLLT10 histone lysine methyltransferase DOT1L cofactor; plus strand). Cytogenetic location: 10p12.31.
Variant type: single nucleotide variant.
Coding change: c.1897T>A on transcript NM_001195626.3 (MANE Select); coding-DNA position 1897, T replaced by A.
Protein change: p.Ser633Thr; replaces serine 633 with threonine.
Molecular consequence: missense variant. On other transcripts: non-coding transcript variant (1).
Genome position (GRCh38, 1-based): chr10:21,726,262, T>A. VCF-style: chr10-21726262-T-A. GRCh37 (hg19) VCF-style: chr10-22015191-T-A.
Other names: c.1162T>A, p.Ser388Thr (NM_001324297.2); c.1945T>A, p.Ser649Thr (NM_004641.4); short protein forms S388T, S633T, S649T.
Identifiers: ClinVar variation 3034963 (VCV003034963.2), dbSNP rs201211956, ClinGen allele CA5434989.